The following is an entry in ClinVar:

NM_013266.4(CTNNA3):c.2393T>C (p.Met798Thr)

Gene: CTNNA3 (catenin alpha 3; minus strand). Cytogenetic location: 10q21.3.
Variant type: single nucleotide variant.
Coding change: c.2393T>C on transcript NM_013266.4 (MANE Select); coding-DNA position 2393, T replaced by C.
Protein change: p.Met798Thr; replaces methionine 798 with threonine.
Molecular consequence: missense variant.
Genome position (GRCh38, 1-based): chr10:65,966,619, A>G on the plus strand (T>C on the coding strand, the complement: CTNNA3 is on the minus strand). VCF-style: chr10-65966619-A-G. GRCh37 (hg19) VCF-style: chr10-67726377-A-G.
Other names: c.2393T>C, p.Met798Thr (NM_001127384.3); short protein forms M798T.
Identifiers: ClinVar variation 3226236 (VCV003226236.1), dbSNP rs2077971867, ClinGen allele CA377089889.

ClinVar aggregate classification (germline): Uncertain significance (1 of 4 stars; one submission).

Allele frequency attached by ClinVar (database versions not stated): gnomAD exomes below 0.00001; TOPMed below 0.00001; gnomAD 0.00001.
gnomAD v4.1: 3 of 1,613,588 alleles (0.00019%); highest among the groups gnomAD compares: Non-Finnish European, 0.00025%; no homozygotes.

Submission:

Ambry Genetics
Classification: Uncertain significance. Last evaluated: 2024-03-10. Review status: criteria provided, single submitter. Criteria: Ambry Variant Classification Scheme 2023. Collection method: clinical testing. Allele origin: germline.
Comment: The p.M798T variant (also known as c.2393T>C), located in coding exon 16 of the CTNNA3 gene, results from a T to C substitution at nucleotide position 2393. The methionine at codon 798 is replaced by threonine, an amino acid with similar properties. This amino acid position is conserved. In addition, this alteration is predicted to be tolerated by in silico analysis. Based on the available evidence, the clinical significance of this alteration remains unclear.